The following is an entry in ClinVar:

ClinVar aggregate classification (germline): Uncertain significance. Review status: criteria provided, multiple submitters, no conflicts (2 of 4 stars). 6 submissions from 6 submitters: Uncertain significance (5). 1 of the submissions does not count toward it. Last evaluated 2025-12-10.

Conditions:
PMS2-related disorder. Also called: PMS2-related condition.
Hereditary nonpolyposis colorectal neoplasms. Identifiers: MedGen C0009405, MeSH D003123.
Hereditary cancer-predisposing syndrome. Also called: Neoplastic Syndromes, Hereditary; Tumor predisposition; Hereditary Cancer Syndrome; Hereditary neoplastic syndrome. Identifiers: Orphanet 140162, MedGen C0027672, MeSH D009386, MONDO:0015356.
Lynch syndrome. Identifiers: Orphanet 144, MedGen C4552100, MONDO:0005835. Disease mechanism: loss of function.
Lynch syndrome 4 (LYNCH4). Also called: Colorectal cancer, hereditary nonpolyposis, type 4; Hereditary non-polyposis colorectal cancer, type 4. Identifiers: Orphanet 144, MedGen C1838333, MONDO:0013699, OMIM 614337. Disease mechanism: loss of function.

Allele frequency attached by ClinVar (database versions not stated): gnomAD exomes below 0.00001; ExAC 0.00001; gnomAD 0.00001.

Submissions (6):

Labcorp Genetics (formerly Invitae), Labcorp
Classification: Uncertain significance for Hereditary nonpolyposis colorectal neoplasms. Last evaluated: 2025-12-10. Review status: criteria provided, single submitter. Criteria: Invitae Variant Classification Sherloc (09022015). Collection method: clinical testing. Allele origin: germline.
Comment: This sequence change replaces serine, which is neutral and polar, with asparagine, which is neutral and polar, at codon 507 of the PMS2 protein (p.Ser507Asn). The frequency data for this variant in the population databases is considered unreliable, as metrics indicate poor data quality at this position in the gnomAD database. This variant has not been reported in the literature in individuals affected with PMS2-related conditions. ClinVar contains an entry for this variant (Variation ID: 231455). Invitae Evidence Modeling incorporating data from in vitro experimental studies (internal data) indicates that this missense variant is not expected to disrupt PMS2 function with a negative predictive value of 95%. In summary, the available evidence is currently insufficient to determine the role of this variant in disease. Therefore, it has been classified as a Variant of Uncertain Significance.

Ambry Genetics
Classification: Uncertain significance for Hereditary cancer-predisposing syndrome. Last evaluated: 2025-04-05. Review status: criteria provided, single submitter. Criteria: Ambry Variant Classification Scheme 2023. Collection method: clinical testing. Allele origin: germline.
Comment: The p.S507N variant (also known as c.1520G>A), located in coding exon 11 of the PMS2 gene, results from a G to A substitution at nucleotide position 1520. The serine at codon 507 is replaced by asparagine, an amino acid with highly similar properties. This amino acid position is not well conserved in available vertebrate species. In addition, this alteration is predicted to be tolerated by in silico analysis. Since supporting evidence is limited at this time, the clinical significance of this alteration remains unclear.

Color Diagnostics, LLC DBA Color Health
Classification: Uncertain significance for Hereditary cancer-predisposing syndrome. Last evaluated: 2024-03-06. Review status: criteria provided, single submitter. Criteria: ACMG Guidelines, 2015. Collection method: clinical testing. Allele origin: germline.
Comment: This missense variant replaces serine with asparagine at codon 507 in the PMS2 protein. Computational prediction suggests that this variant may not impact protein structure and function (internally defined REVEL score threshold <= 0.5, PMID: 27666373). To our knowledge, functional studies have not been reported for this variant. This variant has not been reported in individuals affected with PMS2-related disorders in the literature. This variant has not been identified in the general population by the Genome Aggregation Database (gnomAD). The available evidence is insufficient to determine the role of this variant in disease conclusively. Therefore, this variant is classified as a Variant of Uncertain Significance.

Baylor Genetics
Classification: Uncertain significance for Lynch syndrome 4. Last evaluated: 2023-11-28. Review status: criteria provided, single submitter. Criteria: ACMG Guidelines, 2015. Collection method: clinical testing. Allele origin: unknown.

All of Us Research Program, National Institutes of Health
Classification: Uncertain significance for Lynch syndrome. Last evaluated: 2023-10-02. Review status: criteria provided, single submitter. Criteria: ACMG Guidelines, 2015. Collection method: clinical testing. Allele origin: germline. Inheritance: Autosomal dominant inheritance. Observed: 1 variant allele, 1 heterozygote.
Comment: This missense variant replaces serine with asparagine at codon 507 in the PMS2 protein. Computational prediction suggests that this variant may not impact protein structure and function (internally defined REVEL score threshold <= 0.5, PMID: 27666373). To our knowledge, functional studies have not been reported for this variant. This variant has not been reported in individuals affected with PMS2-related disorders in the literature. This variant has not been identified in the general population by the Genome Aggregation Database (gnomAD). The available evidence is insufficient to determine the role of this variant in disease conclusively. Therefore, this variant is classified as a Variant of Uncertain Significance.

This study involves interpretation of variants in research participants for the purpose of population health screening. Participant phenotype was not available at the time of variant classification. Additional details can be found in publication PMID: 35346344, PMCID: PMC8962531

PreventionGenetics, part of Exact Sciences
Classification: Uncertain significance for PMS2-related condition. Last evaluated: 2024-08-07. Review status: no assertion criteria provided. Collection method: clinical testing. Allele origin: germline. Not counted in ClinVar's aggregate classification.
Comment: The PMS2 c.1520G>A variant is predicted to result in the amino acid substitution p.Ser507Asn. To our knowledge, this variant has not been reported in the literature. This variant is reported in 0.0015% of alleles in individuals of European (Non-Finnish) descent in gnomAD. This variant has an interpretation of uncertain significance in ClinVar. At this time, the clinical significance of this variant is uncertain due to the absence of conclusive functional and genetic evidence.

NM_000535.7(PMS2):c.1520G>A (p.Ser507Asn)

Gene: PMS2 (PMS1 homolog 2, mismatch repair system component; minus strand). Cytogenetic location: 7p22.1.
Variant type: single nucleotide variant.
Coding change: c.1520G>A on transcript NM_000535.7 (MANE Select); coding-DNA position 1520, G replaced by A.
Protein change: p.Ser507Asn; replaces serine 507 with asparagine.
Molecular consequence: missense variant. On other transcripts: non-coding transcript variant (1).
Genome position (GRCh38, 1-based): chr7:5,987,245, C>T on the plus strand (G>A on the coding strand, the complement: PMS2 is on the minus strand). VCF-style: chr7-5987245-C-T. GRCh37 (hg19) VCF-style: chr7-6026876-C-T.
Other names: c.1115G>A, p.Ser372Asn (NM_001322003.2, NM_001322004.2, NM_001322005.2 and 1 more transcripts); c.1364G>A, p.Ser455Asn (NM_001322006.2); c.1202G>A, p.Ser401Asn (NM_001322007.2, NM_001322008.2); c.959G>A, p.Ser320Asn (NM_001322010.2); c.587G>A, p.Ser196Asn (NM_001322011.2, NM_001322012.2); c.947G>A, p.Ser316Asn (NM_001322013.2); c.1520G>A, p.Ser507Asn (NM_001322014.2); c.1211G>A, p.Ser404Asn (NM_001322015.2); short protein forms S507N, S320N, S372N, S455N, S316N, S196N, S401N, S404N.
Identifiers: ClinVar variation 231455 (VCV000231455.23), dbSNP rs766256390, ClinGen allele CA044167.
Genomic context (GRCh38, chr7:5,987,245, plus strand): 5'-CTGTCCCCTGGGGAGCTGGCCGCATACTCGCTGCTGCAGTGACTGCCCGTGTCTGGGATG[C>T]TGAACCCCTCAGAATCCACGGAAGTGCTGCCGTGCCCCGAGTCCTTCTCCACCTCCGCTC-3'
Protein context (NP_000526.2, residues 497-517): GSTSVDSEGF[Ser507Asn]IPDTGSHCSS